The following is an entry in ClinVar:

NM_181882.3(PRX):c.2646G>A (p.Val882=)

Gene: PRX (periaxin; minus strand). Cytogenetic location: 19q13.2.
Variant type: single nucleotide variant.
Coding change: c.2646G>A on transcript NM_181882.3 (MANE Select); coding-DNA position 2646, G replaced by A.
Protein change: p.Val882=; no amino-acid change (valine 882 retained).
Molecular consequence: synonymous variant. On other transcripts: 3 prime UTR variant (1).
Genome position (GRCh38, 1-based): chr19:40,395,706, C>T on the plus strand (G>A on the coding strand, the complement: PRX is on the minus strand). VCF-style: chr19-40395706-C-T. GRCh37 (hg19) VCF-style: chr19-40901613-C-T.
Other names: c.2931G>A, p.Val977= (NM_001411127.1); c.*2851G>A (NM_020956.2).
Identifiers: ClinVar variation 3340557 (VCV003340557.1).

ClinVar aggregate classification (germline): Likely benign (1 of 4 stars; one submission).

gnomAD v4.1: 17 of 1,613,962 alleles (0.0011%); highest among the groups gnomAD compares: South Asian, 0.0033%; no homozygotes.

Submission:

GeneDx
Classification: Likely benign. Last evaluated: 2019-01-08. Review status: criteria provided, single submitter. Criteria: GeneDx Variant Classification Process June 2021. Collection method: clinical testing. Allele origin: germline. Affected: yes.
Comment: See Variant Classification Assertion Criteria.